The following is an entry in ClinVar:

ClinVar aggregate classification (germline): Uncertain significance (1 of 4 stars; one submission).

gnomAD v4.1: 44 of 1,610,702 alleles (0.0027%); highest among the groups gnomAD compares: Non-Finnish European, 0.0033%; no homozygotes.

Submission:

CeGaT Center for Human Genetics Tuebingen
Classification: Uncertain significance. Last evaluated: 2024-09-01. Review status: criteria provided, single submitter. Criteria: CeGaT Center For Human Genetics Tuebingen Variant Classification Criteria Version 2. Collection method: clinical testing. Allele origin: germline. Affected: yes. Observed: 1 variant allele.
Comment: IGF2R: PM2, BP4

NM_000876.4(IGF2R):c.1285G>A (p.Val429Ile)

Gene: IGF2R (insulin like growth factor 2 receptor; plus strand). Cytogenetic location: 6q25.3.
Variant type: single nucleotide variant.
Coding change: c.1285G>A on transcript NM_000876.4 (MANE Select); coding-DNA position 1285, G replaced by A.
Protein change: p.Val429Ile; replaces valine 429 with isoleucine.
Molecular consequence: missense variant.
Genome position (GRCh38, 1-based): chr6:160,034,492, G>A. VCF-style: chr6-160034492-G-A. GRCh37 (hg19) VCF-style: chr6-160455524-G-A.
Other names: short protein forms V429I.
Identifiers: ClinVar variation 3388613 (VCV003388613.14).